The following is an entry in ClinVar:

ClinVar aggregate classification (germline): conflicting data from submitters (0 of 4 stars; one submission).

Submission:

ISCA site 1
Classification: conflicting data from submitters. Last evaluated: 2013-09-27. Review status: no assertion criteria provided. Collection method: clinical testing. Allele origin: paternal, unknown, maternal. Affected: yes. Observed: 5 variant alleles. Clinical features observed: Global developmental delay (HP:0001263), Delayed speech and language development (HP:0000750), Hyperactivity (HP:0000752), Specific learning disability (HP:0001328), Intellectual disability (HP:0001249), Muscular hypotonia (HP:0001252), Obesity (HP:0001513), Ventricular septal defect (HP:0001629), Atrial septal defect (HP:0001631), Abnormal facial shape (HP:0002260), Delayed fine motor development (HP:0010862), Pectus excavatum (HP:0000767), and 2 more.
Comment: Likely pathogenic(1), Uncertain significance(4)

Copy number variation identified through the course of routine clinical cytogenomic testing in postnatal populations, with clinical assertions as classified by the original submitter. For data from the original published study, Kaminsky, et al. 2011 (PubMed 21844811), please see nstd101.

GRCh38/hg38 16p12.2(chr16:21940058-22436900)x1

Genes: CDR2 (cerebellar degeneration related protein 2), CDR2-DT (CDR2 divergent transcript), EEF2K (eukaryotic elongation factor 2 kinase), MOSMO (modulator of smoothened), PDZD9 (PDZ domain containing 9) and 32 more. Cytogenetic location: 16p12.2.
Variant type: copy number loss.
Change: copy number 1 (one copy instead of two) of chr16:21,940,058-22,436,900 (496.8 kb, GRCh38 coordinates, 1-based), cytogenetic band 16p12.2.
Identifiers: ClinVar variation 152022 (VCV000152022.3).